The following is an entry in ClinVar:

NM_004698.4(PRPF3):c.1905+6T>C

Gene: PRPF3 (pre-mRNA processing factor 3; plus strand). Cytogenetic location: 1q21.2.
Variant type: single nucleotide variant.
Coding change: c.1905+6T>C on transcript NM_004698.4 (MANE Select); 6 bases into the intron after coding-DNA position 1905, T replaced by C.
Molecular consequence: intron variant.
Genome position (GRCh38, 1-based): chr1:150,349,224, T>C. VCF-style: chr1-150349224-T-C. GRCh37 (hg19) VCF-style: chr1-150321700-T-C.
Other names: c.1500+6T>C (NM_001350529.1).
Identifiers: ClinVar variation 1917837 (VCV001917837.5), dbSNP rs587615563, ClinGen allele CA1075734.

ClinVar aggregate classification (germline): Uncertain significance (1 of 4 stars; one submission).

Allele frequency attached by ClinVar (database versions not stated): gnomAD 0.00001; 1000 Genomes Project 30x 0.00031; 1000 Genomes Project 0.00040.
gnomAD v4.1: 3 of 1,611,262 alleles (0.00019%); highest among the groups gnomAD compares: Admixed American, 0.0033%; no homozygotes.

Submission:

Labcorp Genetics (formerly Invitae), Labcorp
Classification: Uncertain significance. Last evaluated: 2023-04-29. Review status: criteria provided, single submitter. Criteria: Invitae Variant Classification Sherloc (09022015). Collection method: clinical testing. Allele origin: germline.
Comment: This sequence change falls in intron 15 of the PRPF3 gene. It does not directly change the encoded amino acid sequence of the PRPF3 protein. It affects a nucleotide within the consensus splice site. In summary, the available evidence is currently insufficient to determine the role of this variant in disease. Therefore, it has been classified as a Variant of Uncertain Significance. Variants that disrupt the consensus splice site are a relatively common cause of aberrant splicing (PMID: 17576681, 9536098). Algorithms developed to predict the effect of sequence changes on RNA splicing suggest that this variant is not likely to affect RNA splicing. ClinVar contains an entry for this variant (Variation ID: 1917837). This variant has not been reported in the literature in individuals affected with PRPF3-related conditions. This variant is present in population databases (rs587615563, gnomAD 0.003%).

Literature cited by the submitters: PubMed 17576681; PubMed 9536098.